The following is an entry in ClinVar:

NM_014975.3(MAST1):c.875T>A (p.Leu292Gln)

Gene: MAST1 (microtubule associated serine/threonine kinase 1; plus strand). Cytogenetic location: 19p13.13.
Variant type: single nucleotide variant.
Coding change: c.875T>A on transcript NM_014975.3 (MANE Select); coding-DNA position 875, T replaced by A.
Protein change: p.Leu292Gln; replaces leucine 292 with glutamine.
Molecular consequence: missense variant.
Genome position (GRCh38, 1-based): chr19:12,852,034, T>A. VCF-style: chr19-12852034-T-A. GRCh37 (hg19) VCF-style: chr19-12962848-T-A.
Other names: short protein forms L292Q.
Identifiers: ClinVar variation 2576579 (VCV002576579.2), dbSNP rs2512526941, ClinGen allele CA404264320.

ClinVar aggregate classification (germline): Uncertain significance (1 of 4 stars; one submission).

Conditions:
Mega-corpus-callosum syndrome with cerebellar hypoplasia and cortical malformations. Identifiers: MedGen C4748927, MONDO:0032648, OMIM 618273.

Submission:

Institute of Human Genetics, University of Leipzig Medical Center
Classification: Uncertain significance for Mega-corpus-callosum syndrome with cerebellar hypoplasia and cortical malformations. Last evaluated: 2023-07-12. Review status: criteria provided, single submitter. Criteria: ACMG Guidelines, 2015. Collection method: clinical testing. Allele origin: unknown. Inheritance: Autosomal dominant inheritance. Affected: yes.
Comment: Criteria applied: PM1,PM2_SUP,PP3